The following is an entry in ClinVar:

NM_025207.5(FLAD1):c.363G>T (p.Glu121Asp)

Gene: FLAD1 (flavin adenine dinucleotide synthetase 1; plus strand). Cytogenetic location: 1q21.3.
Variant type: single nucleotide variant.
Coding change: c.363G>T on transcript NM_025207.5 (MANE Select); coding-DNA position 363, G replaced by T.
Protein change: p.Glu121Asp; replaces glutamic acid 121 with aspartic acid.
Molecular consequence: missense variant. On other transcripts: 5 prime UTR variant (1).
Genome position (GRCh38, 1-based): chr1:154,984,057, G>T. VCF-style: chr1-154984057-G-T. GRCh37 (hg19) VCF-style: chr1-154956533-G-T.
Other names: p.Glu121Asp; c.72G>T, p.Glu24Asp (NM_001184891.2, NM_201398.3); c.-574G>T (NM_001184892.2); c.363G>T (NM_025207.4); short protein forms E121D, E24D.
Identifiers: ClinVar variation 1361605 (VCV001361605.8), dbSNP rs767806305, ClinGen allele CA1134282.

ClinVar aggregate classification (germline): Uncertain significance. Review status: criteria provided, multiple submitters, no conflicts (2 of 4 stars). 4 submissions from 4 submitters: Uncertain significance (4). Last evaluated 2025-11-12.

Conditions:
Inborn genetic diseases. Identifiers: MedGen C0950123, MeSH D030342.
FLAD1-related disorder. Also called: FLAD1-related condition.

Allele frequency attached by ClinVar (database versions not stated): gnomAD exomes 0.00003; TOPMed 0.00003; ExAC 0.00005; gnomAD 0.00006.
gnomAD v4.1: 101 of 1,509,342 alleles (0.0067%); highest among the groups gnomAD compares: Middle Eastern, 0.018%; no homozygotes.

Submissions (4):

Mayo Clinic Laboratories, Mayo Clinic
Classification: Uncertain significance. Last evaluated: 2025-11-12. Review status: criteria provided, single submitter. Criteria: ACMG Guidelines, 2015. Collection method: clinical testing. Allele origin: germline. Observed: 1 variant allele.
Comment: PP3_moderate, PM2_supporting

PreventionGenetics, part of Exact Sciences
Classification: Uncertain significance for FLAD1-related condition. Last evaluated: 2025-11-07. Review status: criteria provided, single submitter. Criteria: ACMG Guidelines, 2015. Collection method: clinical testing. Allele origin: germline.
Comment: The FLAD1 c.363G>T variant is predicted to result in the amino acid substitution p.Glu121Asp. To our knowledge, this variant has not been reported in the literature. This variant is reported in 0.014% of alleles in individuals of South Asian descent in gnomAD. At this time, the clinical significance of this variant is uncertain due to the absence of conclusive functional and genetic evidence.

Ambry Genetics
Classification: Uncertain significance for Inborn genetic diseases. Last evaluated: 2024-02-21. Review status: criteria provided, single submitter. Criteria: Ambry Variant Classification Scheme 2023. Collection method: clinical testing. Allele origin: germline.

Labcorp Genetics (formerly Invitae), Labcorp
Classification: Uncertain significance. Last evaluated: 2023-11-27. Review status: criteria provided, single submitter. Criteria: Invitae Variant Classification Sherloc (09022015). Collection method: clinical testing. Allele origin: germline.
Comment: This sequence change replaces glutamic acid, which is acidic and polar, with aspartic acid, which is acidic and polar, at codon 121 of the FLAD1 protein (p.Glu121Asp). This variant is present in population databases (rs767806305, gnomAD 0.01%). This variant has not been reported in the literature in individuals affected with FLAD1-related conditions. ClinVar contains an entry for this variant (Variation ID: 1361605). An algorithm developed to predict the effect of missense changes on protein structure and function (PolyPhen-2) suggests that this variant is likely to be disruptive. In summary, the available evidence is currently insufficient to determine the role of this variant in disease. Therefore, it has been classified as a Variant of Uncertain Significance.